The following is an entry in ClinVar:

ClinVar aggregate classification (germline): Pathogenic/Likely pathogenic. Review status: criteria provided, multiple submitters, no conflicts (2 of 4 stars). 2 submissions from 2 submitters: Pathogenic (1); Likely pathogenic (1). Last evaluated 2025-05-21.

Conditions:
Spastic paraplegia. Identifiers: MedGen C0037772, HP:0001258.
Charlevoix-Saguenay spastic ataxia (SACS). Also called: Spastic ataxia of Charlevoix-Saguenay; SPASTIC ATAXIA 6, AUTOSOMAL RECESSIVE; AUTOSOMAL RECESSIVE SPASTIC ATAXIA OF CHARLEVOIX-SAGUENAY. Identifiers: Orphanet 98, MedGen C1849140, MONDO:0010041, OMIM 270550.

Submissions (2):

Natera, Inc.
Classification: Likely pathogenic for Charlevoix-Saguenay type spastic ataxia. Last evaluated: 2025-05-21. Review status: criteria provided, single submitter. Criteria: Natera Variant Classification Schema (03/2026). Collection method: clinical testing. Allele origin: germline.
Comment: The c.8454G>A variant in SACS is a nonsense variant predicted to introduce a stop codon at amino acid 2818. This variant is expected to result in nonsense mediated decay, truncation, or a dysfunctional protein product. This variant is rare in the general population with a frequency below the threshold expected for the associated phenotype(s). Given the available evidence, this variant is classified as Likely Pathogenic.

Labcorp Genetics (formerly Invitae), Labcorp
Classification: Pathogenic for Spastic paraplegia. Last evaluated: 2021-06-24. Review status: criteria provided, single submitter. Criteria: Invitae Variant Classification Sherloc (09022015). Collection method: clinical testing. Allele origin: germline.
Comment: This sequence change results in a premature translational stop signal in the SACS gene (p.Trp2818*). While this is not anticipated to result in nonsense mediated decay, it is expected to disrupt the last 1762 amino acids of the SACS protein. This variant is not present in population databases (ExAC no frequency). This variant has not been reported in the literature in individuals with SACS-related conditions. This variant disrupts the C-terminus of the SACS protein. Other variant(s) that disrupt this region (p.Gln4054* and p.Leu4303*) have been determined to be pathogenic (PMID: 18465152, 27288452, Invitae). This suggests that variants that disrupt this region of the protein are likely to be causative of disease. For these reasons, this variant has been classified as Pathogenic.

Literature cited by the submitters: PubMed 18465152 (cited by Labcorp Genetics (formerly Invitae), Labcorp); PubMed 27288452 (cited by Labcorp Genetics (formerly Invitae), Labcorp).

NM_014363.6(SACS):c.8454G>A (p.Trp2818Ter)

Gene: SACS (sacsin molecular chaperone; minus strand). Cytogenetic location: 13q12.12.
Variant type: single nucleotide variant.
Coding change: c.8454G>A on transcript NM_014363.6 (MANE Select); coding-DNA position 8454, G replaced by A.
Protein change: p.Trp2818Ter; replaces tryptophan 2818 with a stop codon.
Molecular consequence: nonsense.
Genome position (GRCh38, 1-based): chr13:23,335,422, C>T on the plus strand (G>A on the coding strand, the complement: SACS is on the minus strand). VCF-style: chr13-23335422-C-T. GRCh37 (hg19) VCF-style: chr13-23909561-C-T.
Other names: c.8013G>A, p.Trp2671Ter (NM_001278055.2); short protein forms W2818*, W2671*.
Identifiers: ClinVar variation 835299 (VCV000835299.12), dbSNP rs1868481514, ClinGen allele CA387516601.